The following is an entry in ClinVar:

ClinVar aggregate classification (germline): Uncertain significance (1 of 4 stars; one submission).

Conditions:
Cardiovascular phenotype. Identifiers: MedGen CN230736.

Allele frequency attached by ClinVar (database versions not stated): gnomAD exomes 0.00001.
gnomAD v4.1: 7 of 1,550,370 alleles (0.00045%); highest among the groups gnomAD compares: Non-Finnish European, 0.00061%; no homozygotes.

Submission:

Ambry Genetics
Classification: Uncertain significance for Cardiovascular phenotype. Last evaluated: 2022-11-17. Review status: criteria provided, single submitter. Criteria: Ambry Variant Classification Scheme 2023. Collection method: clinical testing. Allele origin: germline.
Comment: The p.Q854R variant (also known as c.2561A>G), located in coding exon 1 of the ZNF469 gene, results from an A to G substitution at nucleotide position 2561. The glutamine at codon 854 is replaced by arginine, an amino acid with highly similar properties. This amino acid position is conserved. In addition, this alteration is predicted to be tolerated by in silico analysis. Since supporting evidence is limited at this time, the clinical significance of this alteration remains unclear.

NM_001367624.2(ZNF469):c.2561A>G (p.Gln854Arg)

Gene: ZNF469 (zinc finger protein 469; plus strand). Cytogenetic location: 16q24.2.
Variant type: single nucleotide variant.
Coding change: c.2561A>G on transcript NM_001367624.2 (MANE Select); coding-DNA position 2561, A replaced by G.
Protein change: p.Gln854Arg; replaces glutamine 854 with arginine.
Molecular consequence: missense variant.
Genome position (GRCh38, 1-based): chr16:88,430,031, A>G. VCF-style: chr16-88430031-A-G. GRCh37 (hg19) VCF-style: chr16-88496439-A-G.
Other names: NM_001127464.1:c.2561A>G; short protein forms Q854R.
Identifiers: ClinVar variation 2449444 (VCV002449444.2), dbSNP rs1162011324, ClinGen allele CA397073257.